The following is an entry in ClinVar:

ClinVar aggregate classification (germline): Uncertain significance (1 of 4 stars; one submission).

Submission:

GeneDx
Classification: Uncertain significance. Last evaluated: 2026-06-24. Review status: criteria provided, single submitter. Criteria: GeneDx Variant Classification Process June 2021. Collection method: clinical testing. Allele origin: germline.
Comment: Not observed at significant frequency in large population cohorts (gnomAD); In silico analysis suggests that this missense variant does not alter protein structure/function; Has not been previously published as pathogenic or benign to our knowledge

NM_000702.4(ATP1A2):c.2373C>G (p.Ile791Met)

Gene: ATP1A2 (ATPase Na+/K+ transporting subunit alpha 2; plus strand). Cytogenetic location: 1q23.2.
Variant type: single nucleotide variant.
Coding change: c.2373C>G on transcript NM_000702.4 (MANE Select); coding-DNA position 2373, C replaced by G.
Protein change: p.Ile791Met; replaces isoleucine 791 with methionine.
Molecular consequence: missense variant.
Genome position (GRCh38, 1-based): chr1:160,135,927, C>G. VCF-style: chr1-160135927-C-G. GRCh37 (hg19) VCF-style: chr1-160105717-C-G.
Other names: short protein forms I791M.
Identifiers: ClinVar variation 3367701 (VCV003367701.2).